The following is an entry in ClinVar:

NM_005269.3(GLI1):c.1137G>T (p.Leu379=)

Gene: GLI1 (GLI family zinc finger 1; plus strand). Cytogenetic location: 12q13.3.
Variant type: single nucleotide variant.
Coding change: c.1137G>T on transcript NM_005269.3 (MANE Select); coding-DNA position 1137, G replaced by T.
Protein change: p.Leu379=; no amino-acid change (leucine 379 retained).
Molecular consequence: synonymous variant.
Genome position (GRCh38, 1-based): chr12:57,468,053, G>T. VCF-style: chr12-57468053-G-T. GRCh37 (hg19) VCF-style: chr12-57861836-G-T.
Other names: c.753G>T, p.Leu251= (NM_001160045.2); c.1014G>T, p.Leu338= (NM_001167609.2).
Identifiers: ClinVar variation 3046842 (VCV003046842.2), dbSNP rs774563719, ClinGen allele CA6648733.

ClinVar aggregate classification (germline): Likely benign (0 of 4 stars; one submission).

Conditions:
GLI1-related disorder. Also called: GLI1-related condition.

Allele frequency attached by ClinVar (database versions not stated): ExAC 0.00002; gnomAD exomes 0.00002; gnomAD 0.00003; TOPMed 0.00003.
gnomAD v4.1: 35 of 1,614,238 alleles (0.0022%); highest among the groups gnomAD compares: Middle Eastern, 0.033%; no homozygotes.

Submission:

PreventionGenetics, part of Exact Sciences
Classification: Likely benign for GLI1-related condition. Last evaluated: 2019-03-12. Review status: no assertion criteria provided. Collection method: clinical testing. Allele origin: germline.
Comment: This variant is classified as likely benign based on ACMG/AMP sequence variant interpretation guidelines (Richards et al. 2015 PMID: 25741868, with internal and published modifications).